The following is an entry in ClinVar:

NM_000133.4(F9):c.1136G>T (p.Arg379Leu)

Gene: F9 (coagulation factor IX; plus strand). Cytogenetic location: Xq27.1.
Variant type: single nucleotide variant.
Coding change: c.1136G>T on transcript NM_000133.4 (MANE Select); coding-DNA position 1136, G replaced by T.
Protein change: p.Arg379Leu; replaces arginine 379 with leucine.
Molecular consequence: missense variant.
Genome position (GRCh38, 1-based): chrX:139,561,821, G>T. VCF-style: chrX-139561821-G-T. GRCh37 (hg19) VCF-style: chrX-138643980-G-T.
Other names: c.1022G>T, p.Arg341Leu (NM_001313913.2); short protein forms R379L, R341L.
Identifiers: ClinVar variation 4783891 (VCV004783891.1).
Genomic context (GRCh38, chrX:139,561,821, plus strand): 5'-TCTTCCACAAAGGGAGATCAGCTTTAGTTCTTCAGTACCTTAGAGTTCCACTTGTTGACC[G>T]AGCCACATGTCTTCGATCTACAAAGTTCACCATCTATAACAACATGTTCTGTGCTGGCTT-3'
Protein context (NP_000124.1, residues 369-389): LQYLRVPLVD[Arg379Leu]ATCLRSTKFT

ClinVar aggregate classification (germline): Pathogenic (1 of 4 stars; one submission).

Conditions:
Hereditary factor IX deficiency disease (HEMB). Also called: Christmas Disease; F9 DEFICIENCY; FACTOR IX DEFICIENCY; PLASMA THROMBOPLASTIN COMPONENT DEFICIENCY; Hemophilia B. Identifiers: Orphanet 98879, MedGen C0008533, MeSH D002836, MONDO:0010604, OMIM 306900.
Thrombophilia, X-linked, due to factor 9 defect. Identifiers: MedGen C2749016, MONDO:0010432, OMIM 300807.

Submission:

Labcorp Genetics (formerly Invitae), Labcorp
Classification: Pathogenic for Thrombophilia, X-linked, due to factor 9 defect; Hereditary factor IX deficiency disease. Last evaluated: 2025-03-30. Review status: criteria provided, single submitter. Criteria: Invitae Variant Classification Sherloc (09022015). Collection method: clinical testing. Allele origin: germline.
Comment: This sequence change replaces arginine, which is basic and polar, with leucine, which is neutral and non-polar, at codon 379 of the F9 protein (p.Arg379Leu). This variant is not present in population databases (gnomAD no frequency). This missense change has been observed in individuals with hemophilia B (PMID: 1680287, 7937052, 22544209; internal data). This variant is also known as R333L. Invitae Evidence Modeling of protein sequence and biophysical properties (such as structural, functional, and spatial information, amino acid conservation, physicochemical variation, residue mobility, and thermodynamic stability) indicates that this missense variant is not expected to disrupt F9 protein function with a negative predictive value of 80%. This variant disrupts the p.Arg379 amino acid residue in F9. Other variant(s) that disrupt this residue have been determined to be pathogenic (PMID: 22639855). This suggests that this residue is clinically significant, and that variants that disrupt this residue are likely to be disease-causing. For these reasons, this variant has been classified as Pathogenic.

Literature cited by the submitters: PubMed 1680287; PubMed 7937052; PubMed 22544209; PubMed 22639855.